The following is an entry in ClinVar:

NC_000023.10:g.(?_32613854)_(32717430_?)dup

Gene: DMD (dystrophin; minus strand). Cytogenetic location: Xp21.1.
Variant type: Duplication.
Identifiers: ClinVar variation 1459962 (VCV001459962.4).

ClinVar aggregate classification (germline): Pathogenic (1 of 4 stars; one submission).

Conditions:
Duchenne muscular dystrophy (DMD). Also called: Duchenne Muscular Dystrophy (DMD); MUSCULAR DYSTROPHY, PSEUDOHYPERTROPHIC PROGRESSIVE, DUCHENNE TYPE. Identifiers: Orphanet 98896, MedGen C0013264, MONDO:0010679, OMIM 310200.

Submission:

Labcorp Genetics (formerly Invitae), Labcorp
Classification: Pathogenic for Duchenne muscular dystrophy. Last evaluated: 2021-07-07. Review status: criteria provided, single submitter. Criteria: Invitae Variant Classification Sherloc (09022015). Collection method: clinical testing. Allele origin: germline.
Comment: This variant results in a copy number gain of the genomic region encompassing exon(s) 8-13 of the DMD gene. While the exact position of this variant cannot be determined from the data, sub-genic copy number gains are generally in tandem (PMID: 25640679). This variant is predicted to be out-of-frame, and may result in an absent or disrupted protein product. Loss-of-function variants in DMD are known to be pathogenic (PMID: 16770791, 25007885). A similar copy number variant has been observed in individuals with Duchenne or Becker muscular dystrophy (PMID: 16917894, 31705731). For these reasons, this variant has been classified as Pathogenic.

Literature cited by the submitters: PubMed 25640679; PubMed 16770791; PubMed 25007885; PubMed 16917894; PubMed 31705731.